The following is an entry in ClinVar:

NM_000275.3(OCA2):c.224G>A (p.Gly75Glu)

Gene: OCA2 (OCA2 melanosomal transmembrane protein; minus strand). Cytogenetic location: 15q13.1.
Variant type: single nucleotide variant.
Coding change: c.224G>A on transcript NM_000275.3 (MANE Select); coding-DNA position 224, G replaced by A.
Protein change: p.Gly75Glu; replaces glycine 75 with glutamic acid.
Molecular consequence: missense variant.
Genome position (GRCh38, 1-based): chr15:28,081,651, C>T on the plus strand (G>A on the coding strand, the complement: OCA2 is on the minus strand). VCF-style: chr15-28081651-C-T. GRCh37 (hg19) VCF-style: chr15-28326797-C-T.
Other names: c.224G>A, p.Gly75Glu (NM_001300984.2); short protein forms G75E.
Identifiers: ClinVar variation 1404212 (VCV001404212.6), dbSNP rs2141895899, ClinGen allele CA391366518.

ClinVar aggregate classification (germline): Uncertain significance. Review status: criteria provided, multiple submitters, no conflicts (2 of 4 stars). 2 submissions from 2 submitters: Uncertain significance (2). Last evaluated 2021-08-14.

Conditions:
SKIN/HAIR/EYE PIGMENTATION 1, BLUE/NONBLUE EYES (SHEP1). Also called: BROWN EYE COLOR 2; EYE COLOR 3; EYE COLOR, BLUE/NONBLUE; EYE COLOR, BROWN/BLUE; HAIR COLOR 3; SKIN/HAIR/EYE PIGMENTATION 1, BLOND/BROWN HAIR. Identifiers: MedGen C1856895, OMIM 227220.
Tyrosinase-positive oculocutaneous albinism (OCA2). Also called: Albinism, oculocutaneous, type II; ALBINISM II; Oculocutaneous albinism type 2. Identifiers: Orphanet 79432, MedGen C0268495, MONDO:0008746, OMIM 203200.

Submissions (2):

Labcorp Genetics (formerly Invitae), Labcorp
Classification: Uncertain significance. Last evaluated: 2021-08-14. Review status: criteria provided, single submitter. Criteria: Invitae Variant Classification Sherloc (09022015). Collection method: clinical testing. Allele origin: germline.
Comment: This sequence change replaces glycine with glutamic acid at codon 75 of the OCA2 protein (p.Gly75Glu). The glycine residue is weakly conserved and there is a moderate physicochemical difference between glycine and glutamic acid. This variant is not present in population databases (ExAC no frequency). This variant has not been reported in the literature in individuals affected with OCA2-related conditions. Advanced modeling of protein sequence and biophysical properties (such as structural, functional, and spatial information, amino acid conservation, physicochemical variation, residue mobility, and thermodynamic stability) performed at Invitae indicates that this missense variant is not expected to disrupt OCA2 protein function. In summary, the available evidence is currently insufficient to determine the role of this variant in disease. Therefore, it has been classified as a Variant of Uncertain Significance.

Fulgent Genetics
Classification: Uncertain significance for Tyrosinase-positive oculocutaneous albinism; SKIN/HAIR/EYE PIGMENTATION 1, BLUE/NONBLUE EYES. Last evaluated: 2021-07-26. Review status: criteria provided, single submitter. Criteria: ACMG Guidelines, 2015. Collection method: clinical testing. Allele origin: unknown.